The following is an entry in ClinVar:

NM_053274.3(GLMN):c.542T>C (p.Ile181Thr)

Gene: GLMN (glomulin, FKBP associated protein; minus strand). Cytogenetic location: 1p22.1.
Variant type: single nucleotide variant.
Coding change: c.542T>C on transcript NM_053274.3 (MANE Select); coding-DNA position 542, T replaced by C.
Protein change: p.Ile181Thr; replaces isoleucine 181 with threonine.
Molecular consequence: missense variant. On other transcripts: non-coding transcript variant (1).
Genome position (GRCh38, 1-based): chr1:92,289,004, A>G on the plus strand (T>C on the coding strand, the complement: GLMN is on the minus strand). VCF-style: chr1-92289004-A-G. GRCh37 (hg19) VCF-style: chr1-92754561-A-G.
Other names: c.542T>C, p.Ile181Thr (NM_001319683.2); short protein forms I181T.
Identifiers: ClinVar variation 298142 (VCV000298142.5), dbSNP rs139873200, ClinGen allele CA950564.

ClinVar aggregate classification (germline): Benign (1 of 4 stars; one submission).

Conditions:
Glomuvenous malformation. Also called: GLOMANGIOMAS, MULTIPLE; GLOMUS TUMORS, MULTIPLE; VENOUS MALFORMATIONS WITH GLOMUS CELLS; Familial glomangioma. Identifiers: Orphanet 83454, MedGen C1841984, MONDO:0007672, OMIM 138000.

Allele frequency attached by ClinVar (database versions not stated): 1000 Genomes Project 30x 0.00250; 1000 Genomes Project 0.00260; TOPMed 0.00006; ESP Exome Variant Server 0.00008; gnomAD exomes 0.00073.
gnomAD v4.1: 1,128 of 1,612,634 alleles (0.07%); highest among the groups gnomAD compares: South Asian, 1.1%; 19 homozygotes.

Submission:

Illumina Laboratory Services, Illumina
Classification: Benign for Glomuvenous malformation. Last evaluated: 2018-01-13. Review status: criteria provided, single submitter. Criteria: ICSL Variant Classification Criteria 13 December 2019. Collection method: clinical testing. Allele origin: germline.
Comment: This variant was observed in the ICSL laboratory as part of a predisposition screen in an ostensibly healthy population. It had not been previously curated by ICSL or reported in the Human Gene Mutation Database (HGMD: prior to June 1st, 2018), and was therefore a candidate for classification through an automated scoring system. Utilizing variant allele frequency, disease prevalence and penetrance estimates, and inheritance mode, an automated score was calculated to assess if this variant is too frequent to cause the disease. Based on the score and internal cut-off values, a variant classified as benign is not then subjected to further curation. The score for this variant resulted in a classification of benign for this disease.